The following is an entry in ClinVar:

NM_001370466.1(NOD2):c.2098C>T (p.Pro700Ser)

Gene: NOD2 (nucleotide binding oligomerization domain containing 2; plus strand). Cytogenetic location: 16q12.1.
Variant type: single nucleotide variant.
Coding change: c.2098C>T on transcript NM_001370466.1 (MANE Select); coding-DNA position 2098, C replaced by T.
Protein change: p.Pro700Ser; replaces proline 700 with serine.
Molecular consequence: missense variant. On other transcripts: non-coding transcript variant (1).
Genome position (GRCh38, 1-based): chr16:50,712,090, C>T. VCF-style: chr16-50712090-C-T. GRCh37 (hg19) VCF-style: chr16-50746001-C-T.
Other names: c.2098C>T, p.Pro700Ser (NM_001293557.2); c.2179C>T, p.Pro727Ser (NM_022162.3); short protein forms P700S, P727S.
Identifiers: ClinVar variation 1377527 (VCV001377527.6), dbSNP rs1338599093, ClinGen allele CA395871223.

ClinVar aggregate classification (germline): Uncertain significance (1 of 4 stars; one submission).

Conditions:
Blau syndrome (BLAUS). Also called: GRANULOMATOSIS, FAMILIAL JUVENILE SYSTEMIC; GRANULOMATOSIS, FAMILIAL, BLAU TYPE; GRANULOMATOUS INFLAMMATORY ARTHRITIS, DERMATITIS, AND UVEITIS, FAMILIAL; JABS SYNDROME; ARTHROCUTANEOUVEAL GRANULOMATOSIS. Identifiers: Orphanet 90340, MedGen C5201146, MONDO:0008523, OMIM 186580.
Regional enteritis. Also called: Enteritis, Granulomatous. Identifiers: MedGen C0678202, MeSH D003424.

gnomAD v4.1: 2 of 1,613,878 alleles (0.00012%); highest among the groups gnomAD compares: Non-Finnish European, 0.000085%; no homozygotes.

Submission:

Labcorp Genetics (formerly Invitae), Labcorp
Classification: Uncertain significance for Regional enteritis; Blau syndrome. Last evaluated: 2022-02-10. Review status: criteria provided, single submitter. Criteria: Invitae Variant Classification Sherloc (09022015). Collection method: clinical testing. Allele origin: germline.
Comment: In summary, the available evidence is currently insufficient to determine the role of this variant in disease. Therefore, it has been classified as a Variant of Uncertain Significance. Advanced modeling of protein sequence and biophysical properties (such as structural, functional, and spatial information, amino acid conservation, physicochemical variation, residue mobility, and thermodynamic stability) performed at Invitae indicates that this missense variant is not expected to disrupt NOD2 protein function. This variant has not been reported in the literature in individuals affected with NOD2-related conditions. This variant is not present in population databases (gnomAD no frequency). This sequence change replaces proline, which is neutral and non-polar, with serine, which is neutral and polar, at codon 727 of the NOD2 protein (p.Pro727Ser).